The following is an entry in ClinVar:

ClinVar aggregate classification (germline): Pathogenic/Likely pathogenic. Review status: criteria provided, multiple submitters, no conflicts (2 of 4 stars). 14 submissions from 14 submitters: Pathogenic (4); Likely pathogenic (7). 3 of the submissions do not count toward it. Last evaluated 2025-12-24.

Conditions:
Familial ovarian cancer. Identifiers: MedGen C5679802, MONDO:0016248.
Fanconi anemia complementation group O. Also called: RAD51C-Related Fanconi Anemia. Identifiers: Orphanet 84, MedGen C3150653, MONDO:0013248, OMIM 613390.
Breast-ovarian cancer, familial, susceptibility to, 3. Also called: RAD51C-Related Breast/Ovarian Cancer. Identifiers: Orphanet 145, MedGen C3150659, MONDO:0013253, OMIM 613399.
RAD51C-related cancer predisposition. Identifiers: MedGen CN377762, MONDO:0700273.
Hereditary cancer-predisposing syndrome. Also called: Tumor predisposition; Hereditary Cancer Syndrome; Hereditary neoplastic syndrome; Neoplastic Syndromes, Hereditary. Identifiers: Orphanet 140162, MedGen C0027672, MeSH D009386, MONDO:0015356.

Allele frequency attached by ClinVar (database versions not stated): gnomAD exomes 0.00001 and below 0.00001; gnomAD 0.00001; TOPMed 0.00002.
gnomAD v4.1: 11 of 1,614,040 alleles (0.00068%); highest among the groups gnomAD compares: Admixed American, 0.0017%; no homozygotes.

Submissions (14):

Labcorp Genetics (formerly Invitae), Labcorp
Classification: Likely pathogenic for Fanconi anemia complementation group O. Last evaluated: 2025-12-24. Review status: criteria provided, single submitter. Criteria: Invitae Variant Classification Sherloc (09022015). Collection method: clinical testing. Allele origin: germline.
Comment: This sequence change replaces leucine, which is neutral and non-polar, with phenylalanine, which is neutral and non-polar, at codon 138 of the RAD51C protein (p.Leu138Phe). This variant is present in population databases (rs267606999, gnomAD 0.0009%). This missense change has been observed in individual(s) with breast cancer and/or ovarian cancer (PMID: 20400964, 22451500, 22538716, 27328445, 37762649). It has also been observed to segregate with disease in related individuals. ClinVar contains an entry for this variant (Variation ID: 6825). Invitae Evidence Modeling of protein sequence and biophysical properties (such as structural, functional, and spatial information, amino acid conservation, physicochemical variation, residue mobility, and thermodynamic stability) indicates that this missense variant is expected to disrupt RAD51C protein function with a positive predictive value of 80%. Experimental studies have shown that this missense change affects RAD51C function (PMID: 20400964, 22167183, 24141787, 25292178, 26354865). In summary, the currently available evidence indicates that the variant is pathogenic, but additional data are needed to prove that conclusively. Therefore, this variant has been classified as Likely Pathogenic.

Molecular Pathology, Peter Maccallum Cancer Centre
Classification: Likely pathogenic for Familial ovarian cancer. Last evaluated: 2025-02-10. Review status: criteria provided, single submitter. Criteria: ACMG Guidelines, 2015. Collection method: clinical testing. Allele origin: germline. Inheritance: Autosomal dominant inheritance.

GeneDx
Classification: Pathogenic. Last evaluated: 2024-05-06. Review status: criteria provided, single submitter. Criteria: GeneDx Variant Classification Process June 2021. Collection method: clinical testing. Allele origin: germline. Affected: yes.
Comment: Published functional studies demonstrate a damaging effect: impaired response to DNA damage, reduced RAD51 foci formation, impaired protein interaction with RAD51 paralogs, increased chromosome aberrations, and inability to rescue cell survival (PMID: 20400964, 22167183, 36099300); Observed in individuals with history consistent with pathogenic variants in this gene (PMID: 22538716, 22451500, 27328445, 35565380); Not observed at significant frequency in large population cohorts (gnomAD); In silico analysis supports that this missense variant has a deleterious effect on protein structure/function; This variant is associated with the following publications: (PMID: 20952512, 27328445, 22451500, 25470109, 26678223, 24993905, 26354865, 23438602, 24141787, 21537932, 28829762, 25292178, 22538716, 36562461, 36099300, 14704354, 22167183, 20400964, 35565380, 30612635, 29922827, 28888541)

Ambry Genetics
Classification: Likely pathogenic for Hereditary cancer-predisposing syndrome. Last evaluated: 2023-10-26. Review status: criteria provided, single submitter. Criteria: Ambry Variant Classification Scheme 2023. Collection method: clinical testing. Allele origin: germline.
Comment: The p.L138F variant (also known as c.414G>C), located in coding exon 3 of the RAD51C gene, results from a G to C substitution at nucleotide position 414. The leucine at codon 138 is replaced by phenylalanine, an amino acid with highly similar properties. This variant was previously described and found to co-segregate in one German breast and ovarian cancer family, and LOH was present in 3/3 tumors available (2 ovarian cancers and 1 breast cancer) (Meindl A et al. Nat. Genet. 2010 May; 42(5):410-4). This variant has been identified in multiple individuals diagnosed with ovarian cancer (Alenezi WM et al. Cancers (Basel), 2022 Apr;14; Loveday C et al. Nat Genet, 2012 Apr;44:475-6). In multiple assays testing RAD51C function, this variant showed functionally abnormal results (Meindl A et al. Nat. Genet. 2010 May; 42(5):410-4; Somyajit K et al. J. Biol. Chem. 2012 Jan; 287(5):3366-80; Park JY et al. Oncogene 2014 Oct; 33(40):4803-12; Somyajit K et al. Carcinogenesis 2015 Jan; 36(1):13-24; Somyajit K et al. Nucleic Acids Res. 2015 Nov; 43(20):9835-55; Prakash R et al. Proc Natl Acad Sci U S A, 2022 Sep;119:e2202727119; Hu C et al. Cancer Res, 2023 Aug;83:2557-2571). This amino acid position is highly conserved in available vertebrate species. In addition, this alteration is predicted to be deleterious by in silico analysis. Based on the majority of available evidence to date, this variant is likely to be pathogenic.

Department of Pathology and Laboratory Medicine, Sinai Health System
Classification: Likely pathogenic for Fanconi anemia complementation group O; Breast-ovarian cancer, familial, susceptibility to, 3. Last evaluated: 2023-09-22. Review status: criteria provided, single submitter. Criteria: ACMG Guidelines, 2015. Collection method: clinical testing. Allele origin: germline. Affected: no.

Baylor Genetics
Classification: Pathogenic for Breast-ovarian cancer, familial, susceptibility to, 3. Last evaluated: 2023-05-15. Review status: criteria provided, single submitter. Criteria: ACMG Guidelines, 2015. Collection method: clinical testing. Allele origin: unknown.

Myriad Genetics, Inc.
Classification: Likely pathogenic for Breast-ovarian cancer, familial, susceptibility to, 3. Last evaluated: 2023-04-06. Review status: criteria provided, single submitter. Criteria: Myriad Autosomal Dominant, Autosomal Recessive and X-Linked Classification Criteria (2023). Collection method: clinical testing. Allele origin: unknown.
Comment: This variant is considered likely pathogenic. Functional studies indicate this variant impacts protein function [PMID: 22167183]. This variant has been reported in multiple individuals with clinical features of gene-specific disease [PMID: 20400964, 24993905].

Color Diagnostics, LLC DBA Color Health
Classification: Pathogenic for Hereditary cancer-predisposing syndrome. Last evaluated: 2023-01-03. Review status: criteria provided, single submitter. Criteria: ACMG Guidelines, 2015. Collection method: clinical testing. Allele origin: germline.
Comment: This missense variant replaces leucine with phenylalanine at codon 138 of the RAD51C protein. Computational prediction is inconclusive regarding the impact of this variant on protein structure and function (internally defined REVEL score threshold 0.5 < inconclusive < 0.7, PMID: 27666373). Multiple functional studies have shown that the mutant protein exhibits significantly reduced ability to bind BRCA2, RAD51D, RAD51B, and XRCC3, reduced homologous recombination activity, and inability to complement RAD51C deficiency in cell survival assay (PMID: 20400964, 22167183, 24141787, 25292178, 36099300). This variant has been reported in five unrelated individuals affected with ovarian cancer with family history of ovarian cancer and/or breast cancer (PMID: 20400964, 22451500, 24993905, 35565380). This variant has also been reported in an individual with sporadic, early-onset ovarian cancer (PMID: 35565380) and in an individual with triple-negative breast cancer (PMID: 27328445). This variant has been identified in 1/251476 chromosomes in the general population by the Genome Aggregation Database (gnomAD). Based on the available evidence, this variant is classified as Pathogenic.

Fulgent Genetics
Classification: Likely pathogenic for Fanconi anemia complementation group O; Breast-ovarian cancer, familial, susceptibility to, 3. Last evaluated: 2022-04-01. Review status: criteria provided, single submitter. Criteria: ACMG Guidelines, 2015. Collection method: clinical testing. Allele origin: unknown.

Revvity Omics, Revvity
Classification: Likely pathogenic for Fanconi anemia complementation group O. Last evaluated: 2021-06-14. Review status: criteria provided, single submitter. Criteria: ACMG Guidelines, 2015. Collection method: clinical testing. Allele origin: germline.

University Health Network, Familial Cancer Clinic, Princess Margaret Cancer Centre
Classification: Pathogenic for RAD51C-related cancer predisposition. Review status: criteria provided, single submitter. Criteria: ACMG Guidelines, 2015. Collection method: clinical testing. Allele origin: germline. Inheritance: Autosomal dominant inheritance. Affected: yes. Observed: 1 variant allele.

Counsyl
Classification: Likely pathogenic for Fanconi anemia complementation group O; Breast-ovarian cancer, familial, susceptibility to, 3. Last evaluated: 2018-01-23. Review status: no assertion criteria provided. Collection method: clinical testing. Allele origin: unknown. Not counted in ClinVar's aggregate classification.

Leiden Open Variation Database
Classification: Pathogenic. Last evaluated: 2014-11-02. Review status: no assertion criteria provided. Collection method: curation. Allele origin: germline. Affected: yes. Not counted in ClinVar's aggregate classification.
Comment: Curator: Arleen D. Auerbach. Submitter to LOVD: Johan den Dunnen.

OMIM
Classification: risk factor for BREAST-OVARIAN CANCER, FAMILIAL, SUSCEPTIBILITY TO, 3. Last evaluated: 2010-05-01. Review status: no assertion criteria provided. Collection method: literature only. Allele origin: germline. Not counted in ClinVar's aggregate classification.

Literature cited by the submitters: PubMed 20400964 (cited by 8 submitters); PubMed 22451500 (cited by 5 submitters); PubMed 22538716 (cited by 3 submitters); PubMed 27328445 (cited by Labcorp Genetics (formerly Invitae), Labcorp and Color Diagnostics, LLC DBA Color Health); PubMed 37762649 (cited by Labcorp Genetics (formerly Invitae), Labcorp); PubMed 22167183 (cited by 6 submitters); PubMed 24141787 (cited by 4 submitters); PubMed 25292178 (cited by 3 submitters); PubMed 26354865 (cited by Labcorp Genetics (formerly Invitae), Labcorp and Ambry Genetics); PubMed 35565380 (cited by Ambry Genetics and Color Diagnostics, LLC DBA Color Health); PubMed 36099300 (cited by Ambry Genetics and Color Diagnostics, LLC DBA Color Health); PubMed 37253112 (cited by Ambry Genetics); PubMed 24141797 (cited by Department of Pathology and Laboratory Medicine, Sinai Health System); PubMed 24993905 (cited by Myriad Genetics, Inc. and Color Diagnostics, LLC DBA Color Health).

NM_058216.3(RAD51C):c.414G>C (p.Leu138Phe)

Gene: RAD51C (RAD51 paralog C; plus strand). Cytogenetic location: 17q22.
Variant type: single nucleotide variant.
Coding change: c.414G>C on transcript NM_058216.3 (MANE Select); coding-DNA position 414, G replaced by C.
Protein change: p.Leu138Phe; replaces leucine 138 with phenylalanine.
Molecular consequence: missense variant.
Genome position (GRCh38, 1-based): chr17:58,696,702, G>C. VCF-style: chr17-58696702-G-C. GRCh37 (hg19) VCF-style: chr17-56774063-G-C.
Other names: c.414G>C, p.Leu138Phe (LRG_314t1); short protein forms L138F.
Identifiers: ClinVar variation 6825 (VCV000006825.36), dbSNP rs267606999, ClinGen allele CA118528.
Genomic context (GRCh38, chr17:58,696,702, plus strand): 5'-TACCTTAGATCATCATCATGATTTGGTTGTTTGTCATCTTTCTGTTGACAGTATGCAGTT[G>C]GCAGTAGATGTGCAGATACCAGAATGTTTTGGAGGAGTGGCAGGTGAAGCAGTTTTTATT-3'
Protein context (NP_478123.1, residues 128-148): GVGKTQLCMQ[Leu138Phe]AVDVQIPECF